The following is an entry in ClinVar:

ClinVar aggregate classification (germline): Uncertain significance (1 of 4 stars; one submission).

Allele frequency attached by ClinVar (database versions not stated): gnomAD exomes below 0.00001 and 0.00001; gnomAD 0.00001; TOPMed 0.00001.
gnomAD v4.1: 5 of 1,613,664 alleles (0.00031%); highest among the groups gnomAD compares: African/African-American, 0.0013%; no homozygotes.

Submission:

Labcorp Genetics (formerly Invitae), Labcorp
Classification: Uncertain significance. Last evaluated: 2021-10-14. Review status: criteria provided, single submitter. Criteria: Invitae Variant Classification Sherloc (09022015). Collection method: clinical testing. Allele origin: germline.
Comment: This sequence change replaces valine with phenylalanine at codon 850 of the LIFR protein (p.Val850Phe). The valine residue is moderately conserved and there is a small physicochemical difference between valine and phenylalanine. This variant is not present in population databases (ExAC no frequency). This variant has not been reported in the literature in individuals affected with LIFR-related conditions. Algorithms developed to predict the effect of missense changes on protein structure and function (SIFT, PolyPhen-2, Align-GVGD) all suggest that this variant is likely to be tolerated. In summary, the available evidence is currently insufficient to determine the role of this variant in disease. Therefore, it has been classified as a Variant of Uncertain Significance.

NM_001127671.2(LIFR):c.2548G>T (p.Val850Phe)

Gene: LIFR (LIF receptor subunit alpha; minus strand). Cytogenetic location: 5p13.1.
Variant type: single nucleotide variant.
Coding change: c.2548G>T on transcript NM_001127671.2 (MANE Select); coding-DNA position 2548, G replaced by T.
Protein change: p.Val850Phe; replaces valine 850 with phenylalanine.
Molecular consequence: missense variant.
Genome position (GRCh38, 1-based): chr5:38,484,818, C>A on the plus strand (G>T on the coding strand, the complement: LIFR is on the minus strand). VCF-style: chr5-38484818-C-A. GRCh37 (hg19) VCF-style: chr5-38484920-C-A.
Other names: c.2548G>T, p.Val850Phe (NM_001364297.2, NM_002310.6); c.2515G>T, p.Val839Phe (NM_001364298.2); short protein forms V850F, V839F.
Identifiers: ClinVar variation 1416899 (VCV001416899.5), dbSNP rs1466625336, ClinGen allele CA359535429.